The following is an entry in ClinVar:

ClinVar aggregate classification (germline): Uncertain significance (1 of 4 stars; one submission).

Allele frequency attached by ClinVar (database versions not stated): gnomAD exomes below 0.00001; TOPMed below 0.00001; ExAC 0.00001.
gnomAD v4.1: 3 of 1,590,216 alleles (0.00019%); highest among the groups gnomAD compares: Admixed American, 0.005%; no homozygotes.

Submission:

Labcorp Genetics (formerly Invitae), Labcorp
Classification: Uncertain significance. Last evaluated: 2023-08-19. Review status: criteria provided, single submitter. Criteria: Invitae Variant Classification Sherloc (09022015). Collection method: clinical testing. Allele origin: germline.
Comment: In summary, the available evidence is currently insufficient to determine the role of this variant in disease. Therefore, it has been classified as a Variant of Uncertain Significance. Advanced modeling of protein sequence and biophysical properties (such as structural, functional, and spatial information, amino acid conservation, physicochemical variation, residue mobility, and thermodynamic stability) performed at Invitae indicates that this missense variant is expected to disrupt COL9A3 protein function. ClinVar contains an entry for this variant (Variation ID: 1975560). This variant has not been reported in the literature in individuals affected with COL9A3-related conditions. This variant is present in population databases (rs765684226, gnomAD 0.006%). This sequence change replaces glycine, which is neutral and non-polar, with alanine, which is neutral and non-polar, at codon 151 of the COL9A3 protein (p.Gly151Ala).

NM_001853.4(COL9A3):c.452G>C (p.Gly151Ala)

Gene: COL9A3 (collagen type IX alpha 3 chain; plus strand). Cytogenetic location: 20q13.33.
Variant type: single nucleotide variant.
Coding change: c.452G>C on transcript NM_001853.4 (MANE Select); coding-DNA position 452, G replaced by C.
Protein change: p.Gly151Ala; replaces glycine 151 with alanine.
Molecular consequence: missense variant.
Genome position (GRCh38, 1-based): chr20:62,822,139, G>C. VCF-style: chr20-62822139-G-C. GRCh37 (hg19) VCF-style: chr20-61453491-G-C.
Other names: short protein forms G151A.
Identifiers: ClinVar variation 1975560 (VCV001975560.5), dbSNP rs765684226, ClinGen allele CA9949276.
Genomic context (GRCh38, chr20:62,822,139, plus strand): 5'-CCCACTCTGTCTAAGTCATACCCCCTCCCCAGGGACCTTCTGGACTCCCCGGCCTCCCTG[G>C]TCCCCCAGGACCTCCCGGACCCCCTGTAAGTACTGGGCAGAGGCTCTAAGAAGTGCTGGG-3'
Protein context (NP_001844.3, residues 141-161): PGPSGLPGLP[Gly151Ala]PPGPPGPPGH